The following is an entry in ClinVar:

NM_002529.4(NTRK1):c.428+3G>A

Gene: NTRK1 (neurotrophic receptor tyrosine kinase 1; plus strand). Cytogenetic location: 1q23.1.
Variant type: single nucleotide variant.
Coding change: c.428+3G>A on transcript NM_002529.4 (MANE Select); 3 bases into the intron after coding-DNA position 428, G replaced by A.
Molecular consequence: intron variant.
Genome position (GRCh38, 1-based): chr1:156,866,981, G>A. VCF-style: chr1-156866981-G-A. GRCh37 (hg19) VCF-style: chr1-156836773-G-A.
Other names: c.338+3G>A (NM_001007792.1); c.428+3G>A (NM_001012331.2).
Identifiers: ClinVar variation 948832 (VCV000948832.4), dbSNP rs1655964719, ClinGen allele CA1139656366.

ClinVar aggregate classification (germline): Uncertain significance (1 of 4 stars; one submission).

Conditions:
Hereditary insensitivity to pain with anhidrosis (CIPA). Also called: INSENSITIVITY TO PAIN, CONGENITAL, WITH ANHIDROSIS; NEUROPATHY, CONGENITAL SENSORY, WITH ANHIDROSIS; hereditary sensory and autonomic neuropathy type 4; HSAN Type IV; NTRK1 Congenital Insensitivity to Pain with Anhidrosis; FAMILIAL DYSAUTONOMIA, TYPE II. Identifiers: Orphanet 642, MedGen C0020074, MONDO:0009746, OMIM 256800.

Allele frequency attached by ClinVar (database versions not stated): gnomAD exomes below 0.00001; TOPMed below 0.00001.
gnomAD v4.1: 3 of 1,614,216 alleles (0.00019%); highest among the groups gnomAD compares: Non-Finnish European, 0.00025%; no homozygotes.

Submission:

Labcorp Genetics (formerly Invitae), Labcorp
Classification: Uncertain significance for Hereditary insensitivity to pain with anhidrosis. Last evaluated: 2020-07-30. Review status: criteria provided, single submitter. Criteria: Invitae Variant Classification Sherloc (09022015). Collection method: clinical testing. Allele origin: germline.
Comment: This sequence change falls in intron 4 of the NTRK1 gene. It does not directly change the encoded amino acid sequence of the NTRK1 protein, but it affects a nucleotide within the consensus splice site of the intron. This variant is not present in population databases (ExAC no frequency). This variant has not been reported in the literature in individuals with NTRK1-related conditions. Nucleotide substitutions within the consensus splice site are a relatively common cause of aberrant splicing (PMID: 17576681, 9536098). Algorithms developed to predict the effect of sequence changes on RNA splicing suggest that this variant is not likely to affect RNA splicing, but this prediction has not been confirmed by published transcriptional studies. In summary, the available evidence is currently insufficient to determine the role of this variant in disease. Therefore, it has been classified as a Variant of Uncertain Significance.

Literature cited by the submitters: PubMed 17576681; PubMed 9536098.